The following is an entry in ClinVar:

ClinVar aggregate classification (germline): Conflicting classifications of pathogenicity. Review status: criteria provided, conflicting classifications (1 of 4 stars). 4 submissions from 4 submitters: Uncertain significance (2); Likely benign (2). Last evaluated 2025-09-14.

Conditions:
Familial focal epilepsy with variable foci (FPEVF). Identifiers: Orphanet 98820, MedGen C1858477, MONDO:0020310.
Inborn genetic diseases. Identifiers: MedGen C0950123, MeSH D030342.

Allele frequency attached by ClinVar (database versions not stated): gnomAD exomes 0.00002 and 0.00004; ExAC 0.00003; gnomAD 0.00006; TOPMed 0.00014.
gnomAD v4.1: 35 of 1,614,206 alleles (0.0022%); highest among the groups gnomAD compares: Middle Eastern, 0.033%; no homozygotes.

Submissions (4):

Labcorp Genetics (formerly Invitae), Labcorp
Classification: Uncertain significance for Familial focal epilepsy with variable foci. Last evaluated: 2025-09-14. Review status: criteria provided, single submitter. Criteria: Invitae Variant Classification Sherloc (09022015). Collection method: clinical testing. Allele origin: germline.
Comment: This sequence change replaces arginine, which is basic and polar, with lysine, which is basic and polar, at codon 2 of the DEPDC5 protein (p.Arg2Lys). This variant is present in population databases (rs756142773, gnomAD 0.01%). This variant has not been reported in the literature in individuals affected with DEPDC5-related conditions. ClinVar contains an entry for this variant (Variation ID: 407350). An algorithm developed to predict the effect of missense changes on protein structure and function outputs the following: PolyPhen-2: "Not Available". The lysine amino acid residue is found in multiple mammalian species, which suggests that this missense change does not adversely affect protein function. In summary, the available evidence is currently insufficient to determine the role of this variant in disease. Therefore, it has been classified as a Variant of Uncertain Significance.

Ambry Genetics
Classification: Likely benign for Inborn genetic diseases. Last evaluated: 2023-02-23. Review status: criteria provided, single submitter. Criteria: Ambry Variant Classification Scheme 2023. Collection method: clinical testing. Allele origin: germline.

GeneDx
Classification: Likely benign. Last evaluated: 2020-07-21. Review status: criteria provided, single submitter. Criteria: GeneDx Variant Classification Process June 2021. Collection method: clinical testing. Allele origin: germline. Affected: yes.

Women's Health and Genetics/Laboratory Corporation of America, LabCorp
Classification: Uncertain significance. Last evaluated: 2019-03-22. Review status: criteria provided, single submitter. Criteria: LabCorp Variant Classification Summary - May 2015. Collection method: clinical testing. Allele origin: germline.
Comment: Variant summary: DEPDC5 c.5G>A (p.Arg2Lys) results in a conservative amino acid change in the encoded protein sequence. Four of five in-silico tools predict a benign effect of the variant on protein function. The variant allele was found at a frequency of 3.6e-05 in 277212 control chromosomes. This frequency is not significantly higher than expected for a pathogenic variant in DEPDC5 causing Epilepsy, familial focal, with variable foci 1 (3.6e-05 vs ND), allowing no conclusion about variant significance. To our knowledge, no occurrence of c.5G>A in individuals affected with Epilepsy, familial focal, with variable foci 1 and no experimental evidence demonstrating its impact on protein function have been reported. One clinical diagnostic laboratory has submitted clinical-significance assessments for this variant to ClinVar after 2014 without evidence for independent evaluation. One laboratory classified the variant as uncertain significance. Based on the evidence outlined above, the variant was classified as uncertain significance.

NM_001242896.3(DEPDC5):c.5G>A (p.Arg2Lys)

Gene: DEPDC5 (DEP domain containing 5, GATOR1 subcomplex subunit; plus strand). Cytogenetic location: 22q12.2.
Variant type: single nucleotide variant.
Coding change: c.5G>A on transcript NM_001242896.3 (MANE Select); coding-DNA position 5, G replaced by A.
Protein change: p.Arg2Lys; replaces arginine 2 with lysine.
Molecular consequence: missense variant. On other transcripts: non-coding transcript variant (5).
Genome position (GRCh38, 1-based): chr22:31,754,926, G>A. VCF-style: chr22-31754926-G-A. GRCh37 (hg19) VCF-style: chr22-32150912-G-A.
Other names: c.5G>A, p.Arg2Lys (NM_001007188.4, NM_001136029.4, NM_001242897.2 and 9 more transcripts); short protein forms R2K.
Identifiers: ClinVar variation 407350 (VCV000407350.14), dbSNP rs756142773, ClinGen allele CA10195778.